The following is an entry in ClinVar:

NM_001267550.2(TTN):c.31426+1G>C

Gene: TTN (titin; minus strand). Cytogenetic location: 2q31.2.
Variant type: single nucleotide variant.
Coding change: c.31426+1G>C on transcript NM_001267550.2 (MANE Select); the canonical splice donor site of the intron after coding-DNA position 31426, G replaced by C.
Molecular consequence: splice donor variant. On other transcripts: intron variant (3).
Genome position (GRCh38, 1-based): chr2:178,694,598, C>G on the plus strand (G>C on the coding strand, the complement: TTN is on the minus strand). VCF-style: chr2-178694598-C-G. GRCh37 (hg19) VCF-style: chr2-179559325-C-G.
Other names: c.13282+43484G>C (NM_003319.4); c.13858+43484G>C (NM_133437.4); c.13657+43484G>C (NM_133432.3); c.27694+1G>C (NM_133378.4); c.30475+1G>C (NM_001256850.1); c.31426+1G>C (LRG_391t1).
Identifiers: ClinVar variation 46849 (VCV000046849.17), dbSNP rs6749719, ClinGen allele CA139358.
Genomic context (GRCh38, chr2:178,694,598, plus strand): 5'-CATGTCCATACACATAAATAAAAAAATTTTGAACTTGTAGCTGAAACACAAAGATGTATA[C>G]CTTTCACTTCAATAACTTCTTCCTGTACTGGAGTCCGGGAAGGTTTTTGTGGAACAATCT-3'

ClinVar aggregate classification (germline): Conflicting classifications of pathogenicity. Review status: criteria provided, conflicting classifications (1 of 4 stars). 4 submissions from 4 submitters: Likely pathogenic (2); Uncertain significance (2). Last evaluated 2025-12-08.

Conditions:
Autosomal recessive titinopathy. Identifiers: MedGen CN315649, MONDO:0100493.
Dilated cardiomyopathy 1G (CMD1G). Identifiers: Orphanet 154, MedGen C1858763, MONDO:0011400, OMIM 604145.
Autosomal recessive limb-girdle muscular dystrophy type 2J (LGMDR10). Also called: Limb-girdle muscular dystrophy, type 2J; MUSCULAR DYSTROPHY, LIMB-GIRDLE, AUTOSOMAL RECESSIVE 10. Identifiers: Orphanet 140922, MedGen C1837342, MONDO:0012127, OMIM 608807.
Primary dilated cardiomyopathy (DCM). Also called: Dilated Cardiomyopathy. Identifiers: Orphanet 217604, MedGen C0007193, MeSH D002311, MONDO:0005021, HP:0001644. Inheritance: Various modes of inheritance.

Allele frequency attached by ClinVar (database versions not stated): gnomAD 0.00001; gnomAD exomes 0.00001 and 0.00002; TOPMed 0.00002.
gnomAD v4.1: 37 of 1,552,402 alleles (0.0024%); highest among the groups gnomAD compares: Non-Finnish European, 0.0026%; no homozygotes.

Submissions (4):

Labcorp Genetics (formerly Invitae), Labcorp
Classification: Likely pathogenic for Dilated cardiomyopathy 1G; Autosomal recessive limb-girdle muscular dystrophy type 2J. Last evaluated: 2025-12-08. Review status: criteria provided, single submitter. Criteria: Invitae Variant Classification Sherloc (09022015). Collection method: clinical testing. Allele origin: germline.
Comment: This sequence change affects a donor splice site in intron 117 of the TTN gene. It is expected to disrupt RNA splicing and likely results in a truncated or disrupted TTN protein. This variant is present in population databases (rs6749719, gnomAD 0.002%). Disruption of this splice site has been observed in individual(s) with TTN-related conditions (PMID: 25589632, 32815318, 39277846). This variant has been reported in individual(s) with autosomal dominant dilated cardiomyopathy (internal data); however, the role of the variant in this condition is currently unclear. ClinVar contains an entry for this variant (Variation ID: 46849). Algorithms developed to predict the effect of sequence changes on RNA splicing suggest that this variant may disrupt the consensus splice site. This variant is located in the I band of TTN (PMID: 25589632). Truncating variants in this region have been reported in individuals affected with autosomal recessive centronuclear myopathy (PMID: 23975875, internal data). Truncating variants in this region have also been identified in individuals affected with autosomal dominant dilated cardiomyopathy and/or cardio-related conditions (PMID: 27869827, 32964742, internal data). In summary, the currently available evidence indicates that the variant is pathogenic, but additional data are needed to prove that conclusively. Therefore, this variant has been classified as Likely Pathogenic.

Women's Health and Genetics/Laboratory Corporation of America, LabCorp
Classification: Likely pathogenic for Autosomal recessive titinopathy. Last evaluated: 2025-01-16. Review status: criteria provided, single submitter. Criteria: LabCorp Variant Classification Summary - May 2015. Collection method: clinical testing. Allele origin: germline.
Comment: Variant summary: TTN c.27694+1G>C, also known as NM_001267550 c.31426+1G>C, is located in a canonical splice-site and is predicted to affect mRNA splicing resulting in a significantly altered protein due to either exon skipping, shortening, or inclusion of intronic material. Variants that disrupt the consensus splice site are a relatively common cause of aberrant splicing and loss of TTN function. Loss of function variants in all TTN bands are strongly associated with a spectrum of autosomal recessive titinopathies when exon expression (proportion spliced in, PSI, 1=complete expression) in skeletal muscle is >0.1 (PMID: 36977548, 39198997, 29598826, 32778822, 29691892, 33449170, 36977548, internal data). In contrast, loss of function variants in all TTN bands are only strongly associated with autosomal dominant TTN-related cardiomyopathies if located in exons constitutively expressed (PSI >0.9) in cardiac muscle, excluding extreme C-terminal exons 359-363 (PMID: 25589632, 31216868, 32964742, 34662387, 27869827, Shetty et al., Nat Cardiovasc Res 2024,, internal data). This variant has a maximum skeletal muscle PSI of 0.956 and a maximum cardiac muscle PSI of 0.740. Several computational tools predict a significant impact on normal splicing: Three predict the variant abolishes a 5' splicing donor site. At least 1 publication reports this variant was associated with in-frame skipping of exon 114 (exon 117 in NM_001267550), however subsequent protein impacts were unclear (Gohlke_2024). The variant allele was found at a frequency of 2.4e-05 in 1545502 control chromosomes. The variant, c.27694+1G>C, has been reported in the heterozygous state in a few individuals affected with various cardiac and neuromuscular phenotypes, however it was also found in several (apparently) healthy controls (e.g. Roberts_2015, Choi_2018, Rich_2020, Jurgens_2022). One publication reports experimental evidence evaluating an impact on protein function, however, does not allow convincing conclusions about the variant effect (Gohlke_2024). ClinVar contains an entry for this variant (Variation ID: 46849). Based on the evidence outlined above, the variant was classified as likely pathogenic for autosomal recessive TTN-related conditions.

Cardiovascular Biomedical Research Unit, Royal Brompton & Harefield NHS Foundation Trust
Classification: Uncertain significance for Primary dilated cardiomyopathy. Last evaluated: 2014-10-08. Review status: criteria provided, single submitter. Criteria: Roberts et al. 2015. Collection method: research. Allele origin: germline. Inheritance: Autosomal dominant inheritance. Affected: no. Observed: 1 variant allele. Study: FHS cohort.
Comment: In the seven cohorts assessed, TTNtv were found in 14% of ambulant DCM, 22% end-stage or familial DCM, and 2% controls. Heterozygous nonsense, frameshift and canonical splice-disrupting variants found in constitutive and other highly utilised exons are highly likely to be pathogenic when identified in individuals with phenotypically confirmed DCM. TTNtv found incidentally in healthy individuals (excluding familial assessment of DCM relatives) are thought to have low penetrance, particularly when identified in exons that are not constitutively expressed in the heart.

Laboratory for Molecular Medicine, Mass General Brigham Personalized Medicine
Classification: Uncertain significance. Last evaluated: 2012-03-14. Review status: criteria provided, single submitter. Criteria: LMM Criteria. Collection method: clinical testing. Allele origin: germline. Observed: 1 variant allele.
Comment: Variant classified as Uncertain Significance - Favor Pathogenic. The 27694+1G>C variant in TTN has not been previously identified by our laboratory but is liste d in dbSNP (rs6749719) without frequency information. This variant is predicted to cause abnormal splicing because the nucleotide substitution occurs in the hig hly conserved splice consensus sequence resulting in an abnormal or absent prote in. Loss-of-function variants in TTN are common in patients with DCM (Herman 201 2), though their role in HCM is unclear. In addition, variants in TTN are also associated with several myopathies (Hackman 2002, Hackman 2008). A lthough this variant is predicted to have a severe impact on the protein, additi onal studies are needed to determine if this is contributes to this patient's cl inical features.

Literature cited by the submitters: PubMed 25589632 (cited by Labcorp Genetics (formerly Invitae), Labcorp and Women's Health and Genetics/Laboratory Corporation of America, LabCorp); PubMed 32815318 (cited by Labcorp Genetics (formerly Invitae), Labcorp and Women's Health and Genetics/Laboratory Corporation of America, LabCorp); PubMed 39277846 (cited by Labcorp Genetics (formerly Invitae), Labcorp and Women's Health and Genetics/Laboratory Corporation of America, LabCorp); PubMed 23975875 (cited by Labcorp Genetics (formerly Invitae), Labcorp); PubMed 27869827 (cited by Labcorp Genetics (formerly Invitae), Labcorp); PubMed 32964742 (cited by Labcorp Genetics (formerly Invitae), Labcorp); PubMed 31691645 (cited by Women's Health and Genetics/Laboratory Corporation of America, LabCorp); PubMed 35177841 (cited by Women's Health and Genetics/Laboratory Corporation of America, LabCorp).